The following is an entry in ClinVar:

ClinVar aggregate classification (germline): Pathogenic/Likely pathogenic. Review status: criteria provided, multiple submitters, no conflicts (2 of 4 stars). 4 submissions from 4 submitters: Pathogenic (1); Likely pathogenic (3). Last evaluated 2025-10-18.

Conditions:
HSPG2-related disorder. Also called: HSPG2-related disorders; HSPG2-related condition.
Schwartz-Jampel syndrome. Also called: Myotonic myopathy dwarfism chondrodystrophy and ocular and facial abnormalities. Identifiers: Orphanet 800, MedGen C0036391, MONDO:0009717.
Schwartz-Jampel syndrome type 1 (SJS1). Also called: MYOTONIC MYOPATHY, DWARFISM, CHONDRODYSTROPHY, AND OCULAR AND FACIAL ABNORMALITIES; CHONDRODYSTROPHIC MYOTONIA. Identifiers: MedGen C4551479, MONDO:0100435, OMIM 255800.

Allele frequency attached by ClinVar (database versions not stated): gnomAD exomes 0.00001; TOPMed 0.00001.
gnomAD v4.1: 8 of 1,613,342 alleles (0.0005%); highest among the groups gnomAD compares: Admixed American, 0.01%; no homozygotes.

Submissions (4):

Dasa
Classification: Likely pathogenic for Schwartz-Jampel syndrome type 1. Last evaluated: 2025-10-18. Review status: criteria provided, single submitter. Criteria: DASA Assertion Criteria. Collection method: clinical testing. Allele origin: germline.
Comment: NM_005529.7(HSPG2):c.8316+1G>A affects a canonical splice site and is predicted to disrupt normal RNA splicing. Loss of function is an established disease mechanism for HSPG2-associated disorders. Also, this variant is rare in population databases. Based on the currently available evidence, this variant is classified as likely pathogenic.

Labcorp Genetics (formerly Invitae), Labcorp
Classification: Likely pathogenic. Last evaluated: 2022-12-05. Review status: criteria provided, single submitter. Criteria: Invitae Variant Classification Sherloc (09022015). Collection method: clinical testing. Allele origin: germline.
Comment: In summary, the currently available evidence indicates that the variant is pathogenic, but additional data are needed to prove that conclusively. Therefore, this variant has been classified as Likely Pathogenic. Algorithms developed to predict the effect of sequence changes on RNA splicing suggest that this variant may disrupt the consensus splice site. ClinVar contains an entry for this variant (Variation ID: 800538). This variant has not been reported in the literature in individuals affected with HSPG2-related conditions. This variant is present in population databases (no rsID available, gnomAD 0.009%). This sequence change affects a donor splice site in intron 63 of the HSPG2 gene. It is expected to disrupt RNA splicing. Variants that disrupt the donor or acceptor splice site typically lead to a loss of protein function (PMID: 16199547), and loss-of-function variants in HSPG2 are known to be pathogenic (PMID: 11279527, 16927315, 20542149, 23836246).

Broad Center for Mendelian Genomics, Broad Institute of MIT and Harvard
Classification: Pathogenic for Schwartz-Jampel syndrome type 1. Last evaluated: 2018-11-15. Review status: criteria provided, single submitter. Criteria: ACMG Guidelines, 2015. Collection method: research. Allele origin: germline. Inheritance: Autosomal recessive inheritance. Affected: yes.
Comment: The c.8316+1G>A variant occurs in the invariant region (+/- 1/2) of the splice consensus sequence and is predicted to cause altered splicing leading to an abnormal or absent protein. This variant has been identified in <0.01% (3/33580) of Latino chromosomes by the Genome Aggregation Database (gnomAD). Although this variant has been seen in the general population, its frequency is low enough to be consistent with a recessive carrier frequency. Loss of function of the HSPG2 gene is an established disease mechanism in autosomal dominant Schwartz-Jampel Syndrome, and this is a loss of function variant. In summary, this variant is pathogenic.

Blueprint Genetics
Classification: Likely pathogenic for HSPG2-related disorders. Last evaluated: 2018-11-12. Review status: criteria provided, single submitter. Criteria: ACMG Guidelines, 2015. Collection method: clinical testing. Allele origin: germline. Affected: yes. Observed: 2 variant alleles.

Literature cited by the submitters: PubMed 16199547 (cited by Labcorp Genetics (formerly Invitae), Labcorp); PubMed 11279527 (cited by Labcorp Genetics (formerly Invitae), Labcorp); PubMed 16927315 (cited by Labcorp Genetics (formerly Invitae), Labcorp); PubMed 20542149 (cited by Labcorp Genetics (formerly Invitae), Labcorp); PubMed 23836246 (cited by Labcorp Genetics (formerly Invitae), Labcorp).

NM_005529.7(HSPG2):c.8316+1G>A

Gene: HSPG2 (heparan sulfate proteoglycan 2; minus strand). Cytogenetic location: 1p36.12.
Variant type: single nucleotide variant.
Coding change: c.8316+1G>A on transcript NM_005529.7 (MANE Select); the canonical splice donor site of the intron after coding-DNA position 8316, G replaced by A.
Molecular consequence: splice donor variant.
Genome position (GRCh38, 1-based): chr1:21,846,447, C>T on the plus strand (G>A on the coding strand, the complement: HSPG2 is on the minus strand). VCF-style: chr1-21846447-C-T. GRCh37 (hg19) VCF-style: chr1-22172940-C-T.
Other names: splice site; c.8319+1G>A (NM_001291860.2).
Identifiers: ClinVar variation 800538 (VCV000800538.11), dbSNP rs927473035, ClinGen allele CA19112924.